The following is an entry in ClinVar:

NM_004415.4(DSP):c.822CAT[1] (p.Ile276del)

Gene: DSP (desmoplakin; plus strand). Cytogenetic location: 6p24.3.
Variant type: Microsatellite.
Coding change: c.822CAT[1] on transcript NM_004415.4 (MANE Select); one copy of the 3-base unit CAT starting at c.822; the reference has two copies in a row; one copy, 3 bases deleted.
Protein change: p.Ile276del; deletes isoleucine 276.
Molecular consequence: inframe deletion. On other transcripts: inframe indel (2).
Genome position (GRCh38, 1-based): chr6:7,565,406-7,565,408, CAT deleted; deleting any 3 consecutive bases within chr6:7,565,403-7,565,408 gives the same sequence; the position shown is the placement nearest the transcript's 3' end. VCF-style (leftmost placement, unchanged base first): chr6-7565402-ACAT-A. GRCh37 (hg19) VCF-style: chr6-7565635-ACAT-A.
Other names: c.822CAT[1], p.Ile276del (NM_001008844.3, NM_001319034.2, NM_001406591.1); c.822_824CAT[1], p.Ile276del (NM_004415.2); c.825_827delCAT (NM_004415.2); short protein forms I276del.
Identifiers: ClinVar variation 2567513 (VCV002567513.2), dbSNP rs2533872167, ClinGen allele CA2580614822.

ClinVar aggregate classification (germline): Uncertain significance (1 of 4 stars; one submission).

Conditions:
Cardiovascular phenotype. Identifiers: MedGen CN230736.

Submission:

Ambry Genetics
Classification: Uncertain significance for Cardiovascular phenotype. Last evaluated: 2023-04-03. Review status: criteria provided, single submitter. Criteria: Ambry Variant Classification Scheme 2023. Collection method: clinical testing. Allele origin: germline.
Comment: The c.825_827delCAT variant (also known as p.I276del) is located in coding exon 7 of the DSP gene. This variant results from an in-frame CAT deletion at nucleotide positions 825 to 827. This results in the in-frame deletion of an isoleucine at codon 276. This alteration has been reported in an individual with concerns for DSP-related cardiomyopathy (&Ccedil;imen T et al. J Clin Med, 2023 Jan;12:[ePub ahead of print]). This amino acid position is highly conserved in available vertebrate species. In addition, this alteration is predicted to be deleterious by in silico analysis (Choi Y et al. PLoS ONE. 2012; 7(10):e46688). Since supporting evidence is limited at this time, the clinical significance of this alteration remains unclear.

Literature cited by the submitters: PubMed 36769561.